The following is an entry in ClinVar:

NM_001360016.2(G6PD):c.551C>G (p.Ser184Cys)

Gene: G6PD (glucose-6-phosphate dehydrogenase; minus strand). Cytogenetic location: Xq28.
Variant type: single nucleotide variant.
Coding change: c.551C>G on transcript NM_001360016.2 (MANE Select); coding-DNA position 551, C replaced by G.
Protein change: p.Ser184Cys; replaces serine 184 with cysteine.
Molecular consequence: missense variant.
Genome position (GRCh38, 1-based): chrX:154,534,431, G>C on the plus strand (C>G on the coding strand, the complement: G6PD is on the minus strand). VCF-style: chrX-154534431-G-C. GRCh37 (hg19) VCF-style: chrX-153762646-G-C.
Other names: G6PD Toluca; c.641C>G, p.Ser214Cys (NM_000402.4); c.551C>G, p.Ser184Cys (NM_001042351.3); short protein forms S184C, S214C.
Identifiers: ClinVar variation 3339517 (VCV003339517.1).

ClinVar aggregate classification (germline): Pathogenic (1 of 4 stars; one submission).

Conditions:
Anemia, nonspherocytic hemolytic, due to G6PD deficiency (CNSHA1). Also called: Hemolytic anemia due to G6PD deficiency; Class I glucose-6-phosphate dehydrogenase deficiency; Favism, susceptibility to; ANEMIA, CONGENITAL, NONSPHEROCYTIC HEMOLYTIC, 1. Identifiers: Orphanet 466026, MedGen C2720289, MONDO:0010480, OMIM 300908.

Submission:

Dunham Lab, University of Washington
Classification: Pathogenic for Anemia, nonspherocytic hemolytic, due to G6PD deficiency. Last evaluated: 2024-09-01. Review status: criteria provided, single submitter. Criteria: ACMG Guidelines, 2015. Collection method: curation. Allele origin: unknown. Affected: yes.
Comment: Decreased activity in red blood cells (36%) and when expressed in E. coli (1%) (PS3). Report of presentation with deficiency (PP4). Reported in unrelated individuals (PS4_M). Not found in gnomAD (PM2). Predicted to be damaging by multiple computational algorithms (PP3). Variant classified as WHO Class II. Post_P 0.994 (odds of pathogenicity 1516.9, Prior_P 0.1).

Literature cited by the submitters: PubMed 36089067.